The following is an entry in ClinVar:

NM_013275.6(ANKRD11):c.6968_6975dup (p.Ala2326fs)

Gene: ANKRD11 (ankyrin repeat domain 11; minus strand). Cytogenetic location: 16q24.3.
Variant type: Duplication.
Coding change: c.6968_6975dup on transcript NM_013275.6 (MANE Select); coding-DNA positions 6968 to 6975, 8 bases duplicated (CCCCGAAG; older notation c.6968_6975dupCCCCGAAG).
Protein change: p.Ala2326fs; shifts the reading frame from alanine 2326.
Molecular consequence: frameshift variant.
Genome position (GRCh38, 1-based): chr16:89,279,567-89,279,574, CTTCGGGG duplicated on the plus strand (CCCCGAAG on the coding strand, the reverse complement: ANKRD11 is on the minus strand); duplicating any 8 consecutive bases within chr16:89,279,567-89,279,580 gives the same sequence; the c. name uses the placement nearest the transcript's 3' end. VCF-style (leftmost placement, unchanged base first): chr16-89279566-C-CCTTCGGGG. GRCh37 (hg19) VCF-style: chr16-89345974-C-CCTTCGGGG.
Other names: c.6968_6975dup, p.Ala2326fs (NM_001256182.2, NM_001256183.2); short protein forms A2326fs.
Identifiers: ClinVar variation 973258 (VCV000973258.5), dbSNP rs1555525115, ClinGen allele CA1139664891.

ClinVar aggregate classification (germline): Pathogenic (1 of 4 stars; one submission).

Conditions:
KBG syndrome (KBGS). Also called: ANKRD11-Related KBG Syndrome. Identifiers: Orphanet 2332, MedGen C0220687, MONDO:0007846, OMIM 148050.

Submission:

Institute for Genomic Medicine (IGM) Clinical Laboratory, Nationwide Children's Hospital
Classification: Pathogenic for KBG syndrome. Last evaluated: 2018-02-12. Review status: criteria provided, single submitter. Criteria: ACMG Guidelines, 2015. Collection method: clinical testing. Allele origin: germline. Affected: yes.
Comment: [ACMG/AMP: PVS1, PS2, PM2] This alteration is a null variant in a gene where LOF is a known mechanism of disease [PVS1], is de novo in origin as it was not detected in the submitted parental specimens (identity confirmed) [PS2], is absent from or rarely observed in large-scale population databases [PM2].